The following is an entry in ClinVar:

NM_000444.6(PHEX):c.2079C>G (p.Cys693Trp)

Genes: PHEX (phosphate regulating endopeptidase X-linked; plus strand), PTCHD1-AS (PTCHD1 and PHEX antisense RNA; minus strand). Cytogenetic location: Xp22.11.
Variant type: single nucleotide variant.
Coding change: c.2079C>G on transcript NM_000444.6 (MANE Select); coding-DNA position 2079, C replaced by G.
Protein change: p.Cys693Trp; replaces cysteine 693 with tryptophan.
Molecular consequence: missense variant. On other transcripts: intron variant (1).
Genome position (GRCh38, 1-based): chrX:22,245,341, C>G. VCF-style: chrX-22245341-C-G. GRCh37 (hg19) VCF-style: chrX-22263458-C-G.
Other names: c.2071-2510C>G (NM_001282754.2); short protein forms C693W.
Identifiers: ClinVar variation 424185 (VCV000424185.6), dbSNP rs1064796845, ClinGen allele CA16621340.

ClinVar aggregate classification (germline): Likely pathogenic. Review status: criteria provided, multiple submitters, no conflicts (2 of 4 stars). 3 submissions from 3 submitters: Likely pathogenic (3). Last evaluated 2023-01-07.

Conditions:
Familial X-linked hypophosphatemic vitamin D refractory rickets (XLHRD). Also called: Hypophosphatemic Rickets, X-Linked Dominant; Hypophosphatemia, vitamin D-resistant rickets; Vitamin D-resistant rickets, X-linked; X-Linked Hypophosphatemia; HYPOPHOSPHATEMIC VITAMIN D-RESISTANT RICKETS. Identifiers: Orphanet 89936, MedGen C0733682, MONDO:0010619, OMIM 307800.

Submissions (3):

Labcorp Genetics (formerly Invitae), Labcorp
Classification: Likely pathogenic. Last evaluated: 2023-01-07. Review status: criteria provided, single submitter. Criteria: Invitae Variant Classification Sherloc (09022015). Collection method: clinical testing. Allele origin: germline.
Comment: In summary, the currently available evidence indicates that the variant is pathogenic, but additional data are needed to prove that conclusively. Therefore, this variant has been classified as Likely Pathogenic. This variant disrupts the p.Cys693 amino acid residue in PHEX. Other variant(s) that disrupt this residue have been determined to be pathogenic (PMID: 10737991, 30682568; Invitae). This suggests that this residue is clinically significant, and that variants that disrupt this residue are likely to be disease-causing. Advanced modeling of protein sequence and biophysical properties (such as structural, functional, and spatial information, amino acid conservation, physicochemical variation, residue mobility, and thermodynamic stability) performed at Invitae indicates that this missense variant is expected to disrupt PHEX protein function. ClinVar contains an entry for this variant (Variation ID: 424185). This missense change has been observed in individual(s) with X-linked hypophosphatemia (Invitae). This variant is not present in population databases (gnomAD no frequency). This sequence change replaces cysteine, which is neutral and slightly polar, with tryptophan, which is neutral and slightly polar, at codon 693 of the PHEX protein (p.Cys693Trp).

Mendelics
Classification: Likely pathogenic for Familial X-linked hypophosphatemic vitamin D refractory rickets. Last evaluated: 2022-05-04. Review status: criteria provided, single submitter. Criteria: Mendelics Assertion Criteria 2019. Collection method: clinical testing. Allele origin: germline.

GeneDx
Classification: Likely pathogenic. Last evaluated: 2017-03-06. Review status: criteria provided, single submitter. Criteria: GeneDx Variant Classification (06012015). Collection method: clinical testing. Allele origin: germline. Affected: yes.
Comment: To our knowledge, the C693W variant has not been published as a pathogenic variant, nor has it been reported as a benign variant. The C693W variant is not observed in large population cohorts (Lek et al., 2016; 1000 Genomes Consortium et al., 2015; Exome Variant Server). It is a non-conservative amino acid substitution, which is likely to impact secondary protein structure as these residues differ in polarity, charge, size and/or other properties. This substitution occurs at a position that is conserved across species and in silico analysis predicts this variant is probably damaging to the protein structure/function. Additionally, missense variants at the same (C693Y/F) and in a nearby residue (A689D) have been reported in the Human Gene Mutation Database in association with hypophosphatemic rickets (Stenson et al., 2014), supporting the functional importance of this region of the protein. In summary, this variant is likely pathogenic; however, the possibility that it is benign cannot be excluded.

Literature cited by the submitters: PubMed 10737991 (cited by Labcorp Genetics (formerly Invitae), Labcorp); PubMed 30682568 (cited by Labcorp Genetics (formerly Invitae), Labcorp).